The following is an entry in ClinVar:

NM_005228.5(EGFR):c.3575C>A (p.Ala1192Asp)

Gene: EGFR (epidermal growth factor receptor; plus strand). Cytogenetic location: 7p11.2.
Variant type: single nucleotide variant.
Coding change: c.3575C>A on transcript NM_005228.5 (MANE Select); coding-DNA position 3575, C replaced by A.
Protein change: p.Ala1192Asp; replaces alanine 1192 with aspartic acid.
Molecular consequence: missense variant.
Genome position (GRCh38, 1-based): chr7:55,205,559, C>A. VCF-style: chr7-55205559-C-A. GRCh37 (hg19) VCF-style: chr7-55273252-C-A.
Other names: c.3440C>A, p.Ala1147Asp (NM_001346899.2); c.3416C>A, p.Ala1139Asp (NM_001346900.2); c.2774C>A, p.Ala925Asp (NM_001346941.2); short protein forms A925D, A1147D, A1139D, A1192D.
Identifiers: ClinVar variation 2170052 (VCV002170052.5), dbSNP rs1480173156, ClinGen allele CA367584925.

ClinVar aggregate classification (germline): Uncertain significance. Review status: criteria provided, multiple submitters, no conflicts (2 of 4 stars). 2 submissions from 2 submitters: Uncertain significance (2). Last evaluated 2026-01-19.

Conditions:
Hereditary cancer-predisposing syndrome. Also called: Hereditary neoplastic syndrome; Neoplastic Syndromes, Hereditary; Tumor predisposition; Hereditary Cancer Syndrome. Identifiers: Orphanet 140162, MedGen C0027672, MeSH D009386, MONDO:0015356.
EGFR-related lung cancer (EGFR). Identifiers: MedGen CN130014.

Submissions (2):

Ambry Genetics
Classification: Uncertain significance for Hereditary cancer-predisposing syndrome. Last evaluated: 2026-01-19. Review status: criteria provided, single submitter. Criteria: Ambry Variant Classification Scheme 2023. Collection method: clinical testing. Allele origin: germline.
Comment: The p.A1192D variant (also known as c.3575C>A), located in coding exon 28 of the EGFR gene, results from a C to A substitution at nucleotide position 3575. The alanine at codon 1192 is replaced by aspartic acid, an amino acid with dissimilar properties. This amino acid position is conserved. In addition, the in silico prediction for this alteration is inconclusive. Based on the available evidence, the clinical significance of this variant remains unclear.

Labcorp Genetics (formerly Invitae), Labcorp
Classification: Uncertain significance for EGFR-related lung cancer. Last evaluated: 2023-03-13. Review status: criteria provided, single submitter. Criteria: Invitae Variant Classification Sherloc (09022015). Collection method: clinical testing. Allele origin: germline.
Comment: In summary, the available evidence is currently insufficient to determine the role of this variant in disease. Therefore, it has been classified as a Variant of Uncertain Significance. An algorithm developed to predict the effect of missense changes on protein structure and function (PolyPhen-2) suggests that this variant is likely to be disruptive. ClinVar contains an entry for this variant (Variation ID: 2170052). This variant has not been reported in the literature in individuals affected with EGFR-related conditions. This variant is not present in population databases (gnomAD no frequency). This sequence change replaces alanine, which is neutral and non-polar, with aspartic acid, which is acidic and polar, at codon 1192 of the EGFR protein (p.Ala1192Asp).